The following is an entry in ClinVar:

NM_004793.4(LONP1):c.2704-3C>T

Gene: LONP1 (lon peptidase 1, mitochondrial; minus strand). Cytogenetic location: 19p13.3.
Variant type: single nucleotide variant.
Coding change: c.2704-3C>T on transcript NM_004793.4 (MANE Select); 3 bases into the intron before coding-DNA position 2704, C replaced by T.
Molecular consequence: intron variant.
Genome position (GRCh38, 1-based): chr19:5,692,211, G>A on the plus strand (C>T on the coding strand, the complement: LONP1 is on the minus strand). VCF-style: chr19-5692211-G-A. GRCh37 (hg19) VCF-style: chr19-5692222-G-A.
Other names: c.2116-3C>T (NM_001276480.1); c.2512-3C>T (NM_001276479.2).
Identifiers: ClinVar variation 2179690 (VCV002179690.4), dbSNP rs775570835, ClinGen allele CA9113991.

ClinVar aggregate classification (germline): Uncertain significance (1 of 4 stars; one submission).

Allele frequency attached by ClinVar (database versions not stated): TOPMed 0.00002; gnomAD 0.00003; ExAC 0.00004; gnomAD exomes 0.00006.
gnomAD v4.1: 85 of 1,608,888 alleles (0.0053%); highest among the groups gnomAD compares: Non-Finnish European, 0.0066%; no homozygotes.

Submission:

Labcorp Genetics (formerly Invitae), Labcorp
Classification: Uncertain significance. Last evaluated: 2025-09-11. Review status: criteria provided, single submitter. Criteria: Invitae Variant Classification Sherloc (09022015). Collection method: clinical testing. Allele origin: germline.
Comment: This sequence change falls in intron 17 of the LONP1 gene. It does not directly change the encoded amino acid sequence of the LONP1 protein. It affects a nucleotide within the consensus splice site. This variant is present in population databases (rs775570835, gnomAD 0.009%). This variant has not been reported in the literature in individuals affected with LONP1-related conditions. ClinVar contains an entry for this variant (Variation ID: 2179690). Variants that disrupt the consensus splice site are a relatively common cause of aberrant splicing (PMID: 17576681, 9536098). Algorithms developed to predict the effect of sequence changes on RNA splicing suggest that this variant is not likely to affect RNA splicing. In summary, the available evidence is currently insufficient to determine the role of this variant in disease. Therefore, it has been classified as a Variant of Uncertain Significance.

Literature cited by the submitters: PubMed 17576681; PubMed 9536098.